The following is an entry in ClinVar:

ClinVar aggregate classification (germline): Benign/Likely benign. Review status: criteria provided, multiple submitters, no conflicts (2 of 4 stars). 4 submissions from 4 submitters: Benign (1); Likely benign (2). 1 of the submissions does not count toward it. Last evaluated 2026-04-16.

Conditions:
DICER1-related disorder. Also called: DICER1-related condition.
DICER1-related tumor predisposition. Also called: DICER1-related pleuropulmonary blastoma cancer predisposition syndrome; DICER1 syndrome. Identifiers: Orphanet 284343, MedGen C3839822, MONDO:0100216.
Hereditary cancer-predisposing syndrome. Also called: Hereditary Cancer Syndrome; Neoplastic Syndromes, Hereditary; Hereditary neoplastic syndrome; Tumor predisposition. Identifiers: Orphanet 140162, MedGen C0027672, MeSH D009386, MONDO:0015356.

Submissions (4):

Myriad Genetics, Inc.
Classification: Benign for DICER1-related tumor predisposition. Last evaluated: 2026-04-16. Review status: criteria provided, single submitter. Criteria: Myriad Autosomal Dominant, Autosomal Recessive and X-Linked Classification Criteria (2023). Collection method: clinical testing. Allele origin: unknown.
Comment: This variant is considered benign. This variant is a silent/synonymous amino acid change and it is not expected to impact splicing.

Labcorp Genetics (formerly Invitae), Labcorp
Classification: Likely benign for DICER1-related tumor predisposition. Last evaluated: 2025-12-10. Review status: criteria provided, single submitter. Criteria: Invitae Variant Classification Sherloc (09022015). Collection method: clinical testing. Allele origin: germline.

Ambry Genetics
Classification: Likely benign for Hereditary cancer-predisposing syndrome. Last evaluated: 2019-08-29. Review status: criteria provided, single submitter. Criteria: Ambry Variant Classification Scheme 2023. Collection method: clinical testing. Allele origin: germline.

PreventionGenetics, part of Exact Sciences
Classification: Likely benign for DICER1-related condition. Last evaluated: 2024-07-12. Review status: no assertion criteria provided. Collection method: clinical testing. Allele origin: germline. Not counted in ClinVar's aggregate classification.
Comment: This variant is classified as likely benign based on ACMG/AMP sequence variant interpretation guidelines (Richards et al. 2015 PMID: 25741868, with internal and published modifications).

NM_177438.3(DICER1):c.2781C>T (p.Tyr927=)

Gene: DICER1 (dicer 1, ribonuclease III; minus strand). Cytogenetic location: 14q32.13.
Variant type: single nucleotide variant.
Coding change: c.2781C>T on transcript NM_177438.3 (MANE Select); coding-DNA position 2781, C replaced by T.
Protein change: p.Tyr927=; no amino-acid change (tyrosine 927 retained).
Molecular consequence: synonymous variant.
Genome position (GRCh38, 1-based): chr14:95,107,631, G>A on the plus strand (C>T on the coding strand, the complement: DICER1 is on the minus strand). VCF-style: chr14-95107631-G-A. GRCh37 (hg19) VCF-style: chr14-95573968-G-A.
Other names: c.2781C>T, p.Tyr927= (NM_001195573.1, NM_001271282.3, NM_001291628.2 and 1 more transcripts).
Identifiers: ClinVar variation 417115 (VCV000417115.18), dbSNP rs1060504985, ClinGen allele CA16614517.